The following is an entry in ClinVar:

NM_000081.4(LYST):c.10373C>T (p.Pro3458Leu)

Gene: LYST (lysosomal trafficking regulator; minus strand). Cytogenetic location: 1q42.3.
Variant type: single nucleotide variant.
Coding change: c.10373C>T on transcript NM_000081.4 (MANE Select); coding-DNA position 10373, C replaced by T.
Protein change: p.Pro3458Leu; replaces proline 3458 with leucine.
Molecular consequence: missense variant.
Genome position (GRCh38, 1-based): chr1:235,702,748, G>A on the plus strand (C>T on the coding strand, the complement: LYST is on the minus strand). VCF-style: chr1-235702748-G-A. GRCh37 (hg19) VCF-style: chr1-235866048-G-A.
Other names: p.Pro3458Leu; c.10373C>T, p.Pro3458Leu (NM_001301365.1); short protein forms P3458L.
Identifiers: ClinVar variation 2091726 (VCV002091726.5), dbSNP rs1221940973, ClinGen allele CA344930936.

ClinVar aggregate classification (germline): Uncertain significance. Review status: criteria provided, multiple submitters, no conflicts (2 of 4 stars). 3 submissions from 3 submitters: Uncertain significance (3). Last evaluated 2024-10-12.

Conditions:
Chédiak-Higashi syndrome (CHS). Also called: Chediak-Higashi Syndrome. Identifiers: Orphanet 167, MedGen C0007965, MONDO:0008963, OMIM 214500.

Allele frequency attached by ClinVar (database versions not stated): TOPMed below 0.00001; gnomAD 0.00001.
gnomAD v4.1: 12 of 1,612,776 alleles (0.00074%); highest among the groups gnomAD compares: East Asian, 0.0022%; no homozygotes.

Submissions (3):

Labcorp Genetics (formerly Invitae), Labcorp
Classification: Uncertain significance for Chédiak-Higashi syndrome. Last evaluated: 2024-10-12. Review status: criteria provided, single submitter. Criteria: Invitae Variant Classification Sherloc (09022015). Collection method: clinical testing. Allele origin: germline.
Comment: This sequence change replaces proline, which is neutral and non-polar, with leucine, which is neutral and non-polar, at codon 3458 of the LYST protein (p.Pro3458Leu). This variant is present in population databases (no rsID available, gnomAD 0.0009%). This variant has not been reported in the literature in individuals affected with LYST-related conditions. ClinVar contains an entry for this variant (Variation ID: 2091726). An algorithm developed to predict the effect of missense changes on protein structure and function (PolyPhen-2) suggests that this variant is likely to be disruptive. In summary, the available evidence is currently insufficient to determine the role of this variant in disease. Therefore, it has been classified as a Variant of Uncertain Significance.

Mayo Clinic Laboratories, Mayo Clinic
Classification: Uncertain significance. Last evaluated: 2023-11-24. Review status: criteria provided, single submitter. Criteria: ACMG Guidelines, 2015. Collection method: clinical testing. Allele origin: germline. Observed: 1 variant allele.

Blueprint Genetics
Classification: Uncertain significance. Last evaluated: 2023-06-16. Review status: criteria provided, single submitter. Criteria: ACMG Guidelines, 2015. Collection method: clinical testing. Allele origin: germline.